The following is an entry in ClinVar:

ClinVar aggregate classification (germline): Conflicting classifications of pathogenicity. Review status: criteria provided, conflicting classifications (1 of 4 stars). 5 submissions from 5 submitters: Uncertain significance (2); Benign (2); Likely benign (1). Last evaluated 2026-01-26.

Conditions:
Familial dysfibrinogenemia. Also called: Dysfibrinogenemia, congenital. Identifiers: Orphanet 335, Orphanet 98881, MedGen C0272350, MONDO:0014452, OMIM 616004.
Congenital afibrinogenemia. Identifiers: Orphanet 335, Orphanet 98880, MedGen C2584774, MONDO:0008737, OMIM 202400.
Inborn genetic diseases. Identifiers: MedGen C0950123, MeSH D030342.

Allele frequency attached by ClinVar (database versions not stated): gnomAD exomes 0.00026 and 0.00065; ExAC 0.00069; ESP Exome Variant Server 0.00238; gnomAD 0.00259 and 0.00272; 1000 Genomes Project 0.00260; 1000 Genomes Project 30x 0.00265; TOPMed 0.00291.

Submissions (5):

Women's Health and Genetics/Laboratory Corporation of America, LabCorp
Classification: Uncertain significance. Last evaluated: 2026-01-26. Review status: criteria provided, single submitter. Criteria: LabCorp Variant Classification Summary - May 2015. Collection method: clinical testing. Allele origin: germline.
Comment: Variant summary: FGB c.682A>G (p.Thr228Ala) results in a non-conservative amino acid change in the encoded protein sequence. Algorithms developed to predict the effect of missense changes on protein structure and function are either unavailable or do not agree on the potential impact of this missense change. The variant allele was found at a frequency of 0.00065 in 250874 control chromosomes in the gnomAD database, including 1 homozygote. This frequency is not significantly higher than estimated for disease-causing variants in FGB, allowing no conclusion about variant significance. To our knowledge, no occurrence of c.682A>G in individuals affected with FGB-related conditions and no experimental evidence demonstrating its impact on protein function have been reported. ClinVar contains an entry for this variant (Variation ID: 695936). Based on the evidence outlined above, the variant was classified as uncertain significance.

Labcorp Genetics (formerly Invitae), Labcorp
Classification: Benign. Last evaluated: 2025-12-15. Review status: criteria provided, single submitter. Criteria: Invitae Variant Classification Sherloc (09022015). Collection method: clinical testing. Allele origin: germline.

Ambry Genetics
Classification: Uncertain significance for Inborn genetic diseases. Last evaluated: 2024-07-22. Review status: criteria provided, single submitter. Criteria: Ambry Variant Classification Scheme 2023. Collection method: clinical testing. Allele origin: germline.

Fulgent Genetics
Classification: Likely benign for Congenital afibrinogenemia; Familial dysfibrinogenemia. Last evaluated: 2022-04-26. Review status: criteria provided, single submitter. Criteria: ACMG Guidelines, 2015. Collection method: clinical testing. Allele origin: unknown.

Breakthrough Genomics
Classification: Benign. Review status: criteria provided, single submitter. Criteria: ACMG Guidelines, 2015. Collection method: not provided. Allele origin: germline. Inheritance: Autosomal recessive inheritance. Affected: yes.

NM_005141.5(FGB):c.682A>G (p.Thr228Ala)

Gene: FGB (fibrinogen beta chain; plus strand). Cytogenetic location: 4q31.3.
Variant type: single nucleotide variant.
Coding change: c.682A>G on transcript NM_005141.5 (MANE Select); coding-DNA position 682, A replaced by G.
Protein change: p.Thr228Ala; replaces threonine 228 with alanine.
Molecular consequence: missense variant.
Genome position (GRCh38, 1-based): chr4:154,567,784, A>G. VCF-style: chr4-154567784-A-G. GRCh37 (hg19) VCF-style: chr4-155488936-A-G.
Other names: c.505A>G, p.Thr169Ala (NM_001184741.1); c.550A>G, p.Thr184Ala (NM_001382759.1); c.682A>G, p.Thr228Ala (NM_001382760.1, NM_001382761.1, NM_001382762.1 and 3 more transcripts); short protein forms T228A, T169A, T184A.
Identifiers: ClinVar variation 695936 (VCV000695936.10), dbSNP rs149599496, ClinGen allele CA3114590.